The following is an entry in ClinVar:

NM_033305.3(VPS13A):c.1657dup (p.Arg553fs)

Gene: VPS13A (vacuolar protein sorting 13 homolog A; plus strand). Cytogenetic location: 9q21.2.
Variant type: Duplication.
Coding change: c.1657dup on transcript NM_033305.3 (MANE Select); coding-DNA position 1657, one base duplicated (C; older notation c.1657dupC).
Protein change: p.Arg553fs; shifts the reading frame from arginine 553.
Molecular consequence: frameshift variant.
Genome position (GRCh38, 1-based): chr9:77,238,063, C duplicated; the last of 4 consecutive C bases (chr9:77,238,060-77,238,063); duplicating any one gives the same sequence. VCF-style (leftmost placement, unchanged base first): chr9-77238059-A-AC. GRCh37 (hg19) VCF-style: chr9-79852975-A-AC.
Other names: c.1657dup, p.Arg553fs (NM_001018037.2, NM_001018038.3, NM_015186.4); short protein forms R553fs.
Identifiers: ClinVar variation 5011791 (VCV005011791.1).

ClinVar aggregate classification (germline): Pathogenic (1 of 4 stars; one submission).

Conditions:
VPS13A-related neurodegenerative disease. Also called: ACANTHOCYTOSIS WITH NEUROLOGIC DISORDER; LEVINE-CRITCHLEY SYNDROME; Choreoacanthocytosis; Chorea-acanthocytosis; Choreaacanthocytosis; VPS13A Disease. Identifiers: Orphanet 2388, MedGen C0393576, MONDO:0008695, OMIM 200150.

Submission:

Myriad Genetics, Inc.
Classification: Pathogenic for VPS13A-related neurodegenerative disease. Last evaluated: 2023-09-27. Review status: criteria provided, single submitter. Criteria: Myriad Autosomal Dominant, Autosomal Recessive and X-Linked Classification Criteria (2023). Collection method: clinical testing. Allele origin: unknown.
Comment: NM_033305.2(VPS13A):c.1657dupC(R553Pfs*8) is expected to be pathogenic in the context of VPS13A disease. This variant is predicted to lead to an abnormal or absent protein product due to the creation of a premature termination codon in VPS13A, a gene where loss-of-function variants are known to be pathogenic. Please note: this variant was assessed in the context of healthy population screening.